The following is an entry in ClinVar:

NM_152419.3(HGSNAT):c.841G>A (p.Val281Met)

Gene: HGSNAT (heparan-alpha-glucosaminide N-acetyltransferase; plus strand). Cytogenetic location: 8p11.21.
Variant type: single nucleotide variant.
Coding change: c.841G>A on transcript NM_152419.3 (MANE Select); coding-DNA position 841, G replaced by A.
Protein change: p.Val281Met; replaces valine 281 with methionine.
Molecular consequence: missense variant. On other transcripts: intron variant (2).
Genome position (GRCh38, 1-based): chr8:43,173,733, G>A. VCF-style: chr8-43173733-G-A. GRCh37 (hg19) VCF-style: chr8-43028876-G-A.
Other names: c.841G>A, p.Val281Met (NM_001363227.2); c.-14+1347G>A (NM_001363229.2); c.820+1347G>A (NM_001363228.2); short protein forms V281M.
Identifiers: ClinVar variation 1045476 (VCV001045476.7), dbSNP rs1287447019, ClinGen allele CA371116515.
Genomic context (GRCh38, chr8:43,173,733, plus strand): 5'-TCTAGAGTCCTTTTGCTTATGCTTTGTACTTGTTCTGCAGGGCTGACAGTGGCTGACCTC[G>A]TGTTCCCGTGGTGAGTTGCCGGTCTGCCCTCTTCTCTTCCACGGGTTGACTCCAATCTCC-3'
Protein context (NP_689632.2, residues 271-291): SWNGLTVADL[Val281Met]FPWFVFIMGS

ClinVar aggregate classification (germline): Uncertain significance. Review status: criteria provided, multiple submitters, no conflicts (2 of 4 stars). 4 submissions from 4 submitters: Uncertain significance (2). 2 of the submissions do not count toward it. Last evaluated 2024-11-24.

Conditions:
Mucopolysaccharidosis, MPS-III-C (MPS3C). Also called: MPS IIIC (Sanfilippo Syndrome Type C); MUCOPOLYSACCHARIDOSIS, TYPE IIIC; Mucopolysaccharidosis type IIIC (Sanfilippo C); mucopolysaccharidosis type 3C; SANFILIPPO SYNDROME C; MPS III C. Identifiers: Orphanet 581, Orphanet 79271, MedGen C0086649, MONDO:0009657, OMIM 252930.
Retinitis pigmentosa 73 (RP73). Identifiers: Orphanet 791, MedGen C4225287, MONDO:0014687, OMIM 616544.
Retinal dystrophy. Also called: Inherited retinal dystrophy. Identifiers: Orphanet 71862, MedGen C0854723, MeSH D058499, MONDO:0019118, HP:0000556.

Allele frequency attached by ClinVar (database versions not stated): gnomAD exomes 0.00001.
gnomAD v4.1: 10 of 1,612,794 alleles (0.00062%); highest among the groups gnomAD compares: South Asian, 0.0011%; no homozygotes.

Submissions (4):

Labcorp Genetics (formerly Invitae), Labcorp
Classification: Uncertain significance for Retinitis pigmentosa 73; Mucopolysaccharidosis, MPS-III-C. Last evaluated: 2024-11-24. Review status: criteria provided, single submitter. Criteria: Invitae Variant Classification Sherloc (09022015). Collection method: clinical testing. Allele origin: germline.
Comment: This sequence change replaces valine, which is neutral and non-polar, with methionine, which is neutral and non-polar, at codon 281 of the HGSNAT protein (p.Val281Met). The frequency data for this variant in the population databases is considered unreliable, as metrics indicate poor data quality at this position in the gnomAD database. This variant has not been reported in the literature in individuals affected with HGSNAT-related conditions. ClinVar contains an entry for this variant (Variation ID: 1045476). Invitae Evidence Modeling of protein sequence and biophysical properties (such as structural, functional, and spatial information, amino acid conservation, physicochemical variation, residue mobility, and thermodynamic stability) indicates that this missense variant is expected to disrupt HGSNAT protein function with a positive predictive value of 80%. In summary, the available evidence is currently insufficient to determine the role of this variant in disease. Therefore, it has been classified as a Variant of Uncertain Significance.

Blueprint Genetics
Classification: Uncertain significance. Last evaluated: 2020-04-22. Review status: criteria provided, single submitter. Criteria: ACMG Guidelines, 2015. Collection method: clinical testing. Allele origin: germline.

Natera, Inc.
Classification: Uncertain significance for Mucopolysaccharidosis type IIIC. Last evaluated: 2021-09-25. Review status: no assertion criteria provided. Collection method: clinical testing. Allele origin: germline. Not counted in ClinVar's aggregate classification.

Institute of Human Genetics, Univ. Regensburg, Univ. Regensburg
Classification: Uncertain significance for Retinal dystrophy. Last evaluated: 2021-01-01. Review status: no assertion criteria provided. Criteria: ACMG Guidelines, 2015. Collection method: clinical testing. Allele origin: germline. Affected: yes. Not counted in ClinVar's aggregate classification.